The following is an entry in ClinVar:

ClinVar aggregate classification (germline): Conflicting classifications of pathogenicity. Review status: criteria provided, conflicting classifications (1 of 4 stars). 2 submissions from 2 submitters: Uncertain significance (1); Likely benign (1). Last evaluated 2025-10-01.

Allele frequency attached by ClinVar (database versions not stated): gnomAD exomes 0.00031; ExAC 0.00055; gnomAD 0.00137; 1000 Genomes Project 30x 0.00234.

Submissions (2):

Labcorp Genetics (formerly Invitae), Labcorp
Classification: Uncertain significance. Last evaluated: 2025-10-01. Review status: criteria provided, single submitter. Criteria: Invitae Variant Classification Sherloc (09022015). Collection method: clinical testing. Allele origin: germline.
Comment: This sequence change replaces asparagine, which is neutral and polar, with serine, which is neutral and polar, at codon 404 of the KRT6A protein (p.Asn404Ser). The frequency data for this variant in the population databases is considered unreliable, as metrics indicate poor data quality at this position in the gnomAD database. This variant has not been reported in the literature in individuals affected with KRT6A-related conditions. ClinVar contains an entry for this variant (Variation ID: 2046245). Invitae Evidence Modeling of protein sequence and biophysical properties (such as structural, functional, and spatial information, amino acid conservation, physicochemical variation, residue mobility, and thermodynamic stability) indicates that this missense variant is not expected to disrupt KRT6A protein function with a negative predictive value of 95%. In summary, the available evidence is currently insufficient to determine the role of this variant in disease. Therefore, it has been classified as a Variant of Uncertain Significance.

Blueprint Genetics
Classification: Likely benign. Last evaluated: 2024-10-16. Review status: criteria provided, single submitter. Criteria: ACMG Guidelines, 2015. Collection method: clinical testing. Allele origin: germline.

NM_005554.4(KRT6A):c.1211A>G (p.Asn404Ser)

Gene: KRT6A (keratin 6A; minus strand). Cytogenetic location: 12q13.13.
Variant type: single nucleotide variant.
Coding change: c.1211A>G on transcript NM_005554.4 (MANE Select); coding-DNA position 1211, A replaced by G.
Protein change: p.Asn404Ser; replaces asparagine 404 with serine.
Molecular consequence: missense variant.
Genome position (GRCh38, 1-based): chr12:52,488,541, T>C on the plus strand (A>G on the coding strand, the complement: KRT6A is on the minus strand). VCF-style: chr12-52488541-T-C. GRCh37 (hg19) VCF-style: chr12-52882325-T-C.
Other names: short protein forms N404S.
Identifiers: ClinVar variation 2046245 (VCV002046245.5), dbSNP rs776551928, ClinGen allele CA6581916.